The following is an entry in ClinVar:

ClinVar aggregate classification (germline): Uncertain significance (1 of 4 stars; one submission).

Conditions:
Charcot-Marie-Tooth disease type 2. Also called: Charcot-Marie-Tooth type 2. Identifiers: Orphanet 64746, MedGen C0270914, MONDO:0018993.

Allele frequency attached by ClinVar (database versions not stated): TOPMed 0.00002.
gnomAD v4.1: 2 of 1,565,186 alleles (0.00013%); highest among the groups gnomAD compares: Non-Finnish European, 0.00017%; no homozygotes.

Submission:

Labcorp Genetics (formerly Invitae), Labcorp
Classification: Uncertain significance for Charcot-Marie-Tooth disease type 2. Last evaluated: 2020-08-22. Review status: criteria provided, single submitter. Criteria: Invitae Variant Classification Sherloc (09022015). Collection method: clinical testing. Allele origin: germline.
Comment: In summary, the available evidence is currently insufficient to determine the role of this variant in disease. Therefore, it has been classified as a Variant of Uncertain Significance. Algorithms developed to predict the effect of missense changes on protein structure and function (SIFT, PolyPhen-2, Align-GVGD) all suggest that this variant is likely to be tolerated, but these predictions have not been confirmed by published functional studies and their clinical significance is uncertain. This variant has not been reported in the literature in individuals with MED25-related disease. The frequency data for this variant in the population databases is considered unreliable, as metrics indicate insufficient coverage at this position in the ExAC database. This sequence change replaces alanine with valine at codon 576 of the MED25 protein (p.Ala576Val). The alanine residue is moderately conserved and there is a small physicochemical difference between alanine and valine.

NM_030973.4(MED25):c.1727C>T (p.Ala576Val)

Gene: MED25 (mediator complex subunit 25; plus strand). Cytogenetic location: 19q13.33.
Variant type: single nucleotide variant.
Coding change: c.1727C>T on transcript NM_030973.4 (MANE Select); coding-DNA position 1727, C replaced by T.
Protein change: p.Ala576Val; replaces alanine 576 with valine.
Molecular consequence: missense variant.
Genome position (GRCh38, 1-based): chr19:49,835,586, C>T. VCF-style: chr19-49835586-C-T. GRCh37 (hg19) VCF-style: chr19-50338843-C-T.
Other names: c.1727C>T, p.Ala576Val (NM_001378355.1); short protein forms A576V.
Identifiers: ClinVar variation 646315 (VCV000646315.8), dbSNP rs193291405, ClinGen allele CA309520359.